The following is an entry in ClinVar:

NM_005559.4(LAMA1):c.1239C>A (p.Asp413Glu)

Gene: LAMA1 (laminin subunit alpha 1; minus strand). Cytogenetic location: 18p11.31.
Variant type: single nucleotide variant.
Coding change: c.1239C>A on transcript NM_005559.4 (MANE Select); coding-DNA position 1239, C replaced by A.
Protein change: p.Asp413Glu; replaces aspartic acid 413 with glutamic acid.
Molecular consequence: missense variant.
Genome position (GRCh38, 1-based): chr18:7,042,167, G>T on the plus strand (C>A on the coding strand, the complement: LAMA1 is on the minus strand). VCF-style: chr18-7042167-G-T. GRCh37 (hg19) VCF-style: chr18-7042166-G-T.
Other names: short protein forms D413E.
Identifiers: ClinVar variation 713397 (VCV000713397.15), dbSNP rs144278838, ClinGen allele CA8883060.

ClinVar aggregate classification (germline): Conflicting classifications of pathogenicity. Review status: criteria provided, conflicting classifications (1 of 4 stars). 6 submissions from 6 submitters: Uncertain significance (1); Likely benign (4). 1 of the submissions does not count toward it. Last evaluated 2025-12-20.

Conditions:
LAMA1-related disorder. Also called: LAMA1-related disorders; LAMA1-related condition.

Allele frequency attached by ClinVar (database versions not stated): gnomAD exomes 0.00019 and 0.00053; ExAC 0.00087; gnomAD 0.00187 and 0.00198; ESP Exome Variant Server 0.00208; TOPMed 0.00217; 1000 Genomes Project 0.00359; 1000 Genomes Project 30x 0.00375.
gnomAD v4.1: 564 of 1,611,436 alleles (0.035%); highest among the groups gnomAD compares: African/African-American, 0.66%; 1 homozygote.

Submissions (6):

Labcorp Genetics (formerly Invitae), Labcorp
Classification: Likely benign. Last evaluated: 2025-12-20. Review status: criteria provided, single submitter. Criteria: Invitae Variant Classification Sherloc (09022015). Collection method: clinical testing. Allele origin: germline.

Blueprint Genetics
Classification: Likely benign. Last evaluated: 2024-11-26. Review status: criteria provided, single submitter. Criteria: ACMG Guidelines, 2015. Collection method: clinical testing. Allele origin: germline.

GeneDx
Classification: Uncertain significance. Last evaluated: 2023-02-07. Review status: criteria provided, single submitter. Criteria: GeneDx Variant Classification Process June 2021. Collection method: clinical testing. Allele origin: germline. Affected: yes.
Comment: In silico analysis supports that this missense variant does not alter protein structure/function; Has not been previously published as pathogenic or benign to our knowledge

Laboratorio de Genetica e Diagnostico Molecular, Hospital Israelita Albert Einstein
Classification: Likely benign. Last evaluated: 2020-01-17. Review status: criteria provided, single submitter. Criteria: ACMG Guidelines, 2015. Collection method: clinical testing. Allele origin: germline. Affected: yes.
Comment: ACMG classification criteria: BS1, BP4

Breakthrough Genomics
Classification: Likely benign. Review status: criteria provided, single submitter. Criteria: ACMG Guidelines, 2015. Collection method: not provided. Allele origin: germline. Inheritance: Autosomal recessive inheritance. Affected: yes.

PreventionGenetics, part of Exact Sciences
Classification: Likely benign for LAMA1-related condition. Last evaluated: 2020-07-27. Review status: no assertion criteria provided. Collection method: clinical testing. Allele origin: germline. Not counted in ClinVar's aggregate classification.
Comment: This variant is classified as likely benign based on ACMG/AMP sequence variant interpretation guidelines (Richards et al. 2015 PMID: 25741868, with internal and published modifications).